The following is an entry in ClinVar:

NM_001164277.2(SLC37A4):c.234G>A (p.Trp78Ter)

Gene: SLC37A4 (solute carrier family 37 member 4; minus strand). Cytogenetic location: 11q23.3.
Variant type: single nucleotide variant.
Coding change: c.234G>A on transcript NM_001164277.2 (MANE Select); coding-DNA position 234, G replaced by A.
Protein change: p.Trp78Ter; replaces tryptophan 78 with a stop codon.
Molecular consequence: nonsense.
Genome position (GRCh38, 1-based): chr11:119,028,341, C>T on the plus strand (G>A on the coding strand, the complement: SLC37A4 is on the minus strand). VCF-style: chr11-119028341-C-T. GRCh37 (hg19) VCF-style: chr11-118899051-C-T.
Other names: c.234G>A, p.Trp78Ter (NM_001164278.2, NM_001164280.2, NM_001467.6); c.15G>A, p.Trp5Ter (NM_001164279.2); short protein forms W5*, W78*.
Identifiers: ClinVar variation 917676 (VCV000917676.1), dbSNP rs781857990, ClinGen allele CA382905789.

ClinVar aggregate classification (germline): Likely pathogenic (1 of 4 stars; one submission).

Conditions:
Glucose-6-phosphate transport defect (GSD1B). Also called: Glycogen Storage Disease Type Ib; GSD Ib. Identifiers: Orphanet 364, Orphanet 79259, MedGen C0268146, MONDO:0009288, OMIM 232220.

Submission:

Women's Health and Genetics/Laboratory Corporation of America, LabCorp
Classification: Likely pathogenic for Glucose-6-phosphate transport defect. Last evaluated: 2020-02-17. Review status: criteria provided, single submitter. Criteria: LabCorp Variant Classification Summary - May 2015. Collection method: clinical testing. Allele origin: germline.
Comment: Variant summary: SLC37A4 c.234G>A (p.Trp78X) results in a premature termination codon, predicted to cause a truncation of the encoded protein or absence of the protein due to nonsense mediated decay, which are commonly known mechanisms for disease. Truncations downstream of this position have been classified as pathogenic by our laboratory. The variant was absent in 236332 control chromosomes. c.234G>A has been reported in the literature in at least one individual affected with Glycogen Storage Disease Type Ib (Veiga-da-Cunha_1999). To our knowledge, no experimental evidence demonstrating an impact on protein function has been reported. No clinical diagnostic laboratories have submitted clinical-significance assessments for this variant to ClinVar after 2014. Based on the evidence outlined above, the variant was classified as likely pathogenic.

Literature cited by the submitters: PubMed 10482962.